The following is an entry in ClinVar:

ClinVar aggregate classification (germline): Uncertain significance. Review status: criteria provided, multiple submitters, no conflicts (2 of 4 stars). 4 submissions from 4 submitters: Uncertain significance (4). Last evaluated 2024-03-05.

Conditions:
Hereditary cancer-predisposing syndrome. Also called: Neoplastic Syndromes, Hereditary; Hereditary neoplastic syndrome; Tumor predisposition; Hereditary Cancer Syndrome. Identifiers: Orphanet 140162, MedGen C0027672, MeSH D009386, MONDO:0015356.
Tuberous sclerosis syndrome (TSC). Also called: Tuberous Sclerosis Complex; Tuberous sclerosis. Identifiers: Orphanet 805, MedGen C0041341, MONDO:0001734.
Tuberous sclerosis 1 (TSC1). Identifiers: Orphanet 805, MedGen C1854465, MONDO:0008612, OMIM 191100.

Submissions (4):

Ambry Genetics
Classification: Uncertain significance for Hereditary cancer-predisposing syndrome. Last evaluated: 2024-03-05. Review status: criteria provided, single submitter. Criteria: Ambry Variant Classification Scheme 2023. Collection method: clinical testing. Allele origin: germline.
Comment: The p.M879I variant (also known as c.2637G>T), located in coding exon 19 of the TSC1 gene, results from a G to T substitution at nucleotide position 2637. The methionine at codon 879 is replaced by isoleucine, an amino acid with highly similar properties. This amino acid position is conserved. In addition, the in silico prediction for this alteration is inconclusive. Since supporting evidence is limited at this time, the clinical significance of this alteration remains unclear.

Labcorp Genetics (formerly Invitae), Labcorp
Classification: Uncertain significance for Tuberous sclerosis 1. Last evaluated: 2023-11-18. Review status: criteria provided, single submitter. Criteria: Invitae Variant Classification Sherloc (09022015). Collection method: clinical testing. Allele origin: germline.
Comment: This sequence change replaces methionine, which is neutral and non-polar, with isoleucine, which is neutral and non-polar, at codon 879 of the TSC1 protein (p.Met879Ile). This variant is not present in population databases (gnomAD no frequency). This variant has not been reported in the literature in individuals affected with TSC1-related conditions. ClinVar contains an entry for this variant (Variation ID: 534471). Advanced modeling of protein sequence and biophysical properties (such as structural, functional, and spatial information, amino acid conservation, physicochemical variation, residue mobility, and thermodynamic stability) performed at Invitae indicates that this missense variant is not expected to disrupt TSC1 protein function with a negative predictive value of 95%. In summary, the available evidence is currently insufficient to determine the role of this variant in disease. Therefore, it has been classified as a Variant of Uncertain Significance.

All of Us Research Program, National Institutes of Health
Classification: Uncertain significance for Tuberous sclerosis syndrome. Last evaluated: 2023-08-15. Review status: criteria provided, single submitter. Criteria: ACMG Guidelines, 2015. Collection method: clinical testing. Allele origin: germline. Inheritance: Autosomal dominant inheritance. Observed: 1 variant allele, 1 heterozygote.
Comment: This missense variant replaces methionine with isoleucine at codon 879 of the TSC1 protein. Computational prediction suggests that this variant may not impact protein structure and function (internally defined REVEL score threshold <= 0.5, PMID: 27666373). To our knowledge, functional studies have not been reported for this variant. This variant has not been reported in individuals affected with TSC1-related disorders in the literature. This variant has not been identified in the general population by the Genome Aggregation Database (gnomAD). The available evidence is insufficient to determine the role of this variant in disease conclusively. Therefore, this variant is classified as a Variant of Uncertain Significance.

This study involves interpretation of variants in research participants for the purpose of population health screening. Participant phenotype was not available at the time of variant classification. Additional details can be found in publication PMID: 35346344, PMCID: PMC8962531

Mayo Clinic Laboratories, Mayo Clinic
Classification: Uncertain significance. Last evaluated: 2022-06-03. Review status: criteria provided, single submitter. Criteria: ACMG Guidelines, 2015. Collection method: clinical testing. Allele origin: germline. Observed: 1 variant allele.
Comment: PM2

NM_000368.5(TSC1):c.2637G>T (p.Met879Ile)

Gene: TSC1 (TSC complex subunit 1; minus strand). Cytogenetic location: 9q34.13.
Variant type: single nucleotide variant.
Coding change: c.2637G>T on transcript NM_000368.5 (MANE Select); coding-DNA position 2637, G replaced by T.
Protein change: p.Met879Ile; replaces methionine 879 with isoleucine.
Molecular consequence: missense variant.
Genome position (GRCh38, 1-based): chr9:132,897,599, C>A on the plus strand (G>T on the coding strand, the complement: TSC1 is on the minus strand). VCF-style: chr9-132897599-C-A. GRCh37 (hg19) VCF-style: chr9-135772986-C-A.
Other names: p.Met879Ile; c.2634G>T, p.Met878Ile (NM_001162426.2); c.2484G>T, p.Met828Ile (NM_001162427.2); c.2274G>T, p.Met758Ile (NM_001362177.2); short protein forms M879I, M828I, M878I, M758I.
Identifiers: ClinVar variation 534471 (VCV000534471.13), dbSNP rs1554813610, ClinGen allele CA375369686.